The following is an entry in ClinVar:

NM_199420.4(POLQ):c.3484G>A (p.Ala1162Thr)

Gene: POLQ (DNA polymerase theta; minus strand). Cytogenetic location: 3q13.33.
Variant type: single nucleotide variant.
Coding change: c.3484G>A on transcript NM_199420.4 (MANE Select); coding-DNA position 3484, G replaced by A.
Protein change: p.Ala1162Thr; replaces alanine 1162 with threonine.
Molecular consequence: missense variant.
Genome position (GRCh38, 1-based): chr3:121,489,447, C>T on the plus strand (G>A on the coding strand, the complement: POLQ is on the minus strand). VCF-style: chr3-121489447-C-T. GRCh37 (hg19) VCF-style: chr3-121208294-C-T.
Other names: short protein forms A1162T.
Identifiers: ClinVar variation 1731868 (VCV001731868.3), dbSNP rs776797718, ClinGen allele CA354099724.

ClinVar aggregate classification (germline): Uncertain significance (1 of 4 stars; one submission).

gnomAD v4.1: 3 of 1,614,058 alleles (0.00019%); highest among the groups gnomAD compares: South Asian, 0.0011%; no homozygotes.

Submission:

Ambry Genetics
Classification: Uncertain significance. Last evaluated: 2024-07-15. Review status: criteria provided, single submitter. Criteria: Ambry Variant Classification Scheme 2023. Collection method: clinical testing. Allele origin: germline.
Comment: The p.A1162T variant (also known as c.3484G>A), located in coding exon 16 of the POLQ gene, results from a G to A substitution at nucleotide position 3484. The alanine at codon 1162 is replaced by threonine, an amino acid with similar properties. This amino acid position is conserved. In addition, this alteration is predicted to be tolerated by in silico analysis. Since supporting evidence is limited at this time, the clinical significance of this alteration remains unclear.